The following is an entry in ClinVar:

ClinVar aggregate classification (germline): Benign (1 of 4 stars; one submission).

Conditions:
Spinocerebellar ataxia type 27 (SCA27). Identifiers: Orphanet 98764, MedGen C1836383, MONDO:0012247.

Allele frequency attached by ClinVar (database versions not stated): gnomAD 0.00714; TOPMed 0.00746; 1000 Genomes Project 0.01038; 1000 Genomes Project 30x 0.01093.

Submission:

Illumina Laboratory Services, Illumina
Classification: Benign for Spinocerebellar ataxia 27A. Last evaluated: 2018-01-12. Review status: criteria provided, single submitter. Criteria: ICSL Variant Classification Criteria 13 December 2019. Collection method: clinical testing. Allele origin: germline.
Comment: This variant was observed in the ICSL laboratory as part of a predisposition screen in an ostensibly healthy population. It had not been previously curated by ICSL or reported in the Human Gene Mutation Database (HGMD: prior to June 1st, 2018), and was therefore a candidate for classification through an automated scoring system. Utilizing variant allele frequency, disease prevalence and penetrance estimates, and inheritance mode, an automated score was calculated to assess if this variant is too frequent to cause the disease. Based on the score and internal cut-off values, a variant classified as benign is not then subjected to further curation. The score for this variant resulted in a classification of benign for this disease.

NM_004115.4(FGF14):c.*744C>A

Gene: FGF14 (fibroblast growth factor 14; minus strand). Cytogenetic location: 13q33.1.
Variant type: single nucleotide variant.
Coding change: c.*744C>A on transcript NM_004115.4 (MANE Select); 744 bases downstream of the stop codon, C replaced by A.
Molecular consequence: 3 prime UTR variant.
Genome position (GRCh38, 1-based): chr13:101,722,087, G>T on the plus strand (C>A on the coding strand, the complement: FGF14 is on the minus strand). VCF-style: chr13-101722087-G-T. GRCh37 (hg19) VCF-style: chr13-102374437-G-T.
Other names: c.*744C>A (NM_001321931.1, NM_001321932.1, NM_001321933.1 and 17 more transcripts).
Identifiers: ClinVar variation 310884 (VCV000310884.5), dbSNP rs79379700, ClinGen allele CA10633784.